The following is an entry in ClinVar:

ClinVar aggregate classification (germline): Uncertain significance (1 of 4 stars; one submission).

Conditions:
Pure or complex autosomal recessive spastic paraplegia. Identifiers: Orphanet 320346, MedGen C5679887, MONDO:0017915.

Allele frequency attached by ClinVar (database versions not stated): TOPMed below 0.00001.
gnomAD v4.1: 1 of 1,614,182 alleles (0.000062%); highest among the groups gnomAD compares: African/African-American, 0.0013%; no homozygotes.

Submission:

Labcorp Genetics (formerly Invitae), Labcorp
Classification: Uncertain significance for Pure or complex autosomal recessive spastic paraplegia. Last evaluated: 2023-05-11. Review status: criteria provided, single submitter. Criteria: Invitae Variant Classification Sherloc (09022015). Collection method: clinical testing. Allele origin: germline.
Comment: In summary, the available evidence is currently insufficient to determine the role of this variant in disease. Therefore, it has been classified as a Variant of Uncertain Significance. Experimental studies and prediction algorithms are not available or were not evaluated, and the functional significance of this variant is currently unknown. This variant has not been reported in the literature in individuals affected with ZFR-related conditions. This variant is not present in population databases (gnomAD no frequency). This sequence change replaces proline, which is neutral and non-polar, with histidine, which is basic and polar, at codon 446 of the ZFR protein (p.Pro446His).

NM_016107.5(ZFR):c.1337C>A (p.Pro446His)

Gene: ZFR (zinc finger RNA binding protein; minus strand). Cytogenetic location: 5p13.3.
Variant type: single nucleotide variant.
Coding change: c.1337C>A on transcript NM_016107.5 (MANE Select); coding-DNA position 1337, C replaced by A.
Protein change: p.Pro446His; replaces proline 446 with histidine.
Molecular consequence: missense variant. On other transcripts: non-coding transcript variant (1).
Genome position (GRCh38, 1-based): chr5:32,403,285, G>T on the plus strand (C>A on the coding strand, the complement: ZFR is on the minus strand). VCF-style: chr5-32403285-G-T. GRCh37 (hg19) VCF-style: chr5-32403390-G-T.
Other names: short protein forms P446H.
Identifiers: ClinVar variation 2964182 (VCV002964182.3), dbSNP rs1378961307, ClinGen allele CA359360037.